The following is an entry in ClinVar:

ClinVar aggregate classification (germline): Uncertain significance. Review status: criteria provided, multiple submitters, no conflicts (2 of 4 stars). 2 submissions from 2 submitters: Uncertain significance (2). Last evaluated 2025-08-11.

Conditions:
Inborn genetic diseases. Identifiers: MedGen C0950123, MeSH D030342.

Allele frequency attached by ClinVar (database versions not stated): TOPMed below 0.00001; gnomAD exomes 0.00001; ExAC 0.00002.
gnomAD v4.1: 8 of 1,614,242 alleles (0.0005%); highest among the groups gnomAD compares: Non-Finnish European, 0.00068%; no homozygotes.

Submissions (2):

Labcorp Genetics (formerly Invitae), Labcorp
Classification: Uncertain significance. Last evaluated: 2025-08-11. Review status: criteria provided, single submitter. Criteria: Invitae Variant Classification Sherloc (09022015). Collection method: clinical testing. Allele origin: germline.
Comment: This sequence change replaces proline, which is neutral and non-polar, with serine, which is neutral and polar, at codon 287 of the NLRP1 protein (p.Pro287Ser). This variant is present in population databases (rs17854712, gnomAD 0.002%). This variant has not been reported in the literature in individuals affected with NLRP1-related conditions. ClinVar contains an entry for this variant (Variation ID: 3200523). An algorithm developed to predict the effect of missense changes on protein structure and function outputs the following: PolyPhen-2: "Benign". The serine amino acid residue is found in multiple mammalian species, which suggests that this missense change does not adversely affect protein function. In summary, the available evidence is currently insufficient to determine the role of this variant in disease. Therefore, it has been classified as a Variant of Uncertain Significance.

Ambry Genetics
Classification: Uncertain significance for Inborn genetic diseases. Last evaluated: 2024-01-04. Review status: criteria provided, single submitter. Criteria: Ambry Variant Classification Scheme 2023. Collection method: clinical testing. Allele origin: germline.

NM_033004.4(NLRP1):c.859C>T (p.Pro287Ser)

Gene: NLRP1 (NLR family pyrin domain containing 1; minus strand). Cytogenetic location: 17p13.2.
Variant type: single nucleotide variant.
Coding change: c.859C>T on transcript NM_033004.4 (MANE Select); coding-DNA position 859, C replaced by T.
Protein change: p.Pro287Ser; replaces proline 287 with serine.
Molecular consequence: missense variant.
Genome position (GRCh38, 1-based): chr17:5,559,837, G>A on the plus strand (C>T on the coding strand, the complement: NLRP1 is on the minus strand). VCF-style: chr17-5559837-G-A. GRCh37 (hg19) VCF-style: chr17-5463157-G-A.
Other names: c.859C>T, p.Pro287Ser (NM_001033053.3, NM_014922.5, NM_033006.4 and 1 more transcripts); short protein forms P287S.
Identifiers: ClinVar variation 3200523 (VCV003200523.2), dbSNP rs17854712, ClinGen allele CA8327476.